The following is an entry in ClinVar:

ClinVar aggregate classification (germline): Pathogenic (1 of 4 stars; one submission).

Submission:

GeneDx
Classification: Pathogenic. Last evaluated: 2016-03-17. Review status: criteria provided, single submitter. Criteria: GeneDx Variant Classification (06012015). Collection method: clinical testing. Allele origin: germline. Affected: yes.
Comment: The c.582_583ins19 variant in the STRA6 gene causes a frameshift starting with codonProline 195, changes this amino acid to a Leucine residue and creates a premature Stop codon at position 46 of the new reading frame, denoted p.Pro195LeufsX46. This variant is predicted to cause loss of normal protein function either through protein truncation or nonsense-mediated mRNA decay. Therefore, we interpret this variant as pathogenic.

NM_022369.4(STRA6):c.582_583insTTGGCAGAGGGCAGAGTGT (p.Pro195fs)

Gene: STRA6 (signaling receptor and transporter of retinol STRA6; minus strand). Cytogenetic location: 15q24.1.
Variant type: Microsatellite.
Coding change: c.582_583insTTGGCAGAGGGCAGAGTGT on transcript NM_022369.4 (MANE Select); coding-DNA positions 582 to 583, TTGGCAGAGGGCAGAGTGT inserted.
Protein change: p.Pro195fs; shifts the reading frame from proline 195.
Molecular consequence: frameshift variant. On other transcripts: 3 prime UTR variant (1).
Genome position: GRCh38 VCF-style: chr15-74195316-G-GACACTCTGCCCTCTGCCAA. GRCh37 (hg19) VCF-style: chr15-74487657-G-GACACTCTGCCCTCTGCCAA.
Other names: c.582_583insTTGGCAGAGGGCAGAGTGT, p.Pro195fs (NM_001142617.2, NM_001142618.2); c.555_556insTTGGCAGAGGGCAGAGTGT, p.Pro186fs (NM_001142619.2); c.*285_*286insTTGGCAGAGGGCAGAGTGT (NM_001142620.2); c.693_694insTTGGCAGAGGGCAGAGTGT, p.Pro232fs (NM_001199040.2); c.627_628insTTGGCAGAGGGCAGAGTGT, p.Pro210fs (NM_001199041.2); c.699_700insTTGGCAGAGGGCAGAGTGT, p.Pro234fs (NM_001199042.2); short protein forms P186fs, P195fs, P232fs, P234fs, P210fs.
Identifiers: ClinVar variation 418507 (VCV000418507.1), dbSNP rs1064793275.